The following is an entry in ClinVar:

ClinVar aggregate classification (germline): Likely benign (1 of 4 stars; one submission).

Allele frequency attached by ClinVar (database versions not stated): gnomAD 0.00008; TOPMed 0.00009; 1000 Genomes Project 30x 0.00021; 1000 Genomes Project 0.00026; ExAC 0.00124.
gnomAD v4.1: 112 of 662,809 alleles (0.017%); highest among the groups gnomAD compares: South Asian, 0.16%; no homozygotes.

Submission:

CeGaT Center for Human Genetics Tuebingen
Classification: Likely benign. Last evaluated: 2023-01-01. Review status: criteria provided, single submitter. Criteria: CeGaT Center For Human Genetics Tuebingen Variant Classification Criteria Version 2. Collection method: clinical testing. Allele origin: germline. Affected: yes. Observed: 1 variant allele.
Comment: AWAT2: BS2

NM_001002254.1(AWAT2):c.648-130C>T

Gene: AWAT2 (acyl-CoA wax alcohol acyltransferase 2; minus strand). Cytogenetic location: Xq13.1.
Variant type: single nucleotide variant.
Coding change: c.648-130C>T on transcript NM_001002254.1 (MANE Select); 130 bases into the intron before coding-DNA position 648, C replaced by T.
Molecular consequence: intron variant.
Genome position (GRCh38, 1-based): chrX:70,042,516, G>A on the plus strand (C>T on the coding strand, the complement: AWAT2 is on the minus strand). VCF-style: chrX-70042516-G-A. GRCh37 (hg19) VCF-style: chrX-69262366-G-A.
Identifiers: ClinVar variation 2660801 (VCV002660801.24), dbSNP rs778087249, ClinGen allele CA10439142.
Genomic context (GRCh38, chrX:70,042,516, plus strand): 5'-CGGCGCATGATCCCTGGGTCTGCCTACAGGCTTCTCAGACCCCAGTCCAGCTGTGCCTAG[G>A]TCCAAGTTGAGTGTGGGGGCTCCATGGCCTACCCCTGGCTGCCTGTGGGAGCAAAGTAGC-3'